The following is an entry in ClinVar:

NM_138694.4(PKHD1):c.8012G>C (p.Arg2671Pro)

Gene: PKHD1 (PKHD1 ciliary IPT domain containing fibrocystin/polyductin; minus strand). Cytogenetic location: 6p12.2.
Variant type: single nucleotide variant.
Coding change: c.8012G>C on transcript NM_138694.4 (MANE Select); coding-DNA position 8012, G replaced by C.
Protein change: p.Arg2671Pro; replaces arginine 2671 with proline.
Molecular consequence: missense variant.
Genome position (GRCh38, 1-based): chr6:51,847,870, C>G on the plus strand (G>C on the coding strand, the complement: PKHD1 is on the minus strand). VCF-style: chr6-51847870-C-G. GRCh37 (hg19) VCF-style: chr6-51712668-C-G.
Other names: c.8012G>C (NM_138694.3); c.8012G>C, p.Arg2671Pro (NM_170724.3); short protein forms R2671P.
Identifiers: ClinVar variation 974453 (VCV000974453.6), dbSNP rs778592523, ClinGen allele CA364429200.
Genomic context (GRCh38, chr6:51,847,870, plus strand): 5'-AACCAGTCACAGCCTTGGTTCTGACCTGGTGATGGAAGAAATGGAAAAGACAGACCCACT[C>G]GACTCCCACATCTTAGGAGGATGTCAGGGTAAGGCGGCAAATCTGTGTGCACCAGCAGTA-3'
Protein context (NP_619639.3, residues 2661-2681): YPDILLRCGS[Arg2671Pro]VGLSFPFLPS

ClinVar aggregate classification (germline): Conflicting classifications of pathogenicity. Review status: criteria provided, conflicting classifications (1 of 4 stars). 4 submissions from 4 submitters: Likely pathogenic (1); Uncertain significance (3). Last evaluated 2025-08-13.

Conditions:
Polycystic kidney disease 4 (PKD4). Also called: Autosomal Recessive Polycystic Kidney Disease – PKHD1; POLYCYSTIC KIDNEY AND HEPATIC DISEASE 1; POLYCYSTIC KIDNEY DISEASE, INFANTILE, TYPE I; PKD3; POLYCYSTIC KIDNEY DISEASE 4 WITH OR WITHOUT POLYCYSTIC LIVER DISEASE. Identifiers: MedGen C4540575, MONDO:0033004, OMIM 263200.
PKHD1-related disorder. Also called: PKHD1-related condition.
Autosomal recessive polycystic kidney disease (ARPKD). Also called: AR polycystic kidney disease. Identifiers: Orphanet 731, Orphanet 8378, MedGen C0085548, MeSH D017044, MONDO:0009889.

Submissions (4):

Myriad Genetics, Inc.
Classification: Uncertain significance for Polycystic kidney disease 4. Last evaluated: 2025-08-13. Review status: criteria provided, single submitter. Criteria: Myriad Autosomal Dominant, Autosomal Recessive and X-Linked Classification Criteria (2023). Collection method: clinical testing. Allele origin: unknown.
Comment: NM_138694.3(PKHD1):c.8012G>C(R2671P) is a missense variant classified as a variant of uncertain significance in the context of autosomal recessive polycystic kidney disease, PKHD1-related. R2671P has been observed in a case with relevant disease (PMID: 33532864). Relevant functional assessments of this variant are not available in the literature. R2671P has been observed in referenced population frequency databases. In summary, there is insufficient evidence to classify NM_138694.3(PKHD1):c.8012G>C(R2671P) as pathogenic or benign. Please note: this variant was assessed in the context of healthy population screening.

PreventionGenetics, part of Exact Sciences
Classification: Uncertain significance for PKHD1-related condition. Last evaluated: 2025-05-28. Review status: criteria provided, single submitter. Criteria: ACMG Guidelines, 2015. Collection method: clinical testing. Allele origin: germline.
Comment: The PKHD1 c.8012G>C variant is predicted to result in the amino acid substitution p.Arg2671Pro. This variant was reported in the compound heterozygous state in an individual with polycystic kidney disease (Table S2, Bullich et al. 2018. PubMed ID: 29801666; likely the same case as Table S2, Domingo-Gallego et al. 2021. PubMed ID: 33532864). This variant is reported in 0.0033% of alleles in individuals of South Asian descent in gnomAD. Although we suspect this variant may be pathogenic, at this time, the clinical significance of this variant is uncertain due to the absence of conclusive functional and genetic evidence.

Women's Health and Genetics/Laboratory Corporation of America, LabCorp
Classification: Uncertain significance. Last evaluated: 2024-03-10. Review status: criteria provided, single submitter. Criteria: LabCorp Variant Classification Summary - May 2015. Collection method: clinical testing. Allele origin: germline.
Comment: Variant summary: PKHD1 c.8012G>C (p.Arg2671Pro) results in a non-conservative amino acid change located in the IPT domain (IPR002909) of the encoded protein sequence. Three of five in-silico tools predict a benign effect of the variant on protein function. The variant allele was found at a frequency of 4e-06 in 251178 control chromosomes. The available data on variant occurrences in the general population are insufficient to allow any conclusion about variant significance. c.8012G>C has been reported in the literature as a compound heterozygous genotype in at-least one individual with a clinically consistent diagnosis of Autosomal recessive polycystic kidney and hepatic disease (example, Bullich_2018, overlapping with Domingo-Gallego_2021). These data do not allow any conclusion about variant significance. To our knowledge, no experimental evidence demonstrating an impact on protein function has been reported. The following publications have been ascertained in the context of this evaluation (PMID: 29801666, 33532864). ClinVar contains an entry for this variant (Variation ID: 974453). Based on the evidence outlined above, the variant was classified as uncertain significance.

Molecular Biology Laboratory, Fundació Puigvert
Classification: Likely pathogenic for Polycystic kidney disease 4. Last evaluated: 2020-02-01. Review status: criteria provided, single submitter. Criteria: ACMG Guidelines, 2015. Collection method: research. Allele origin: maternal. Affected: yes. Study: KidneyPanel_2020.

Literature cited by the submitters: PubMed 33532864 (cited by 3 submitters); PubMed 29801666 (cited by Women's Health and Genetics/Laboratory Corporation of America, LabCorp).